The following is an entry in ClinVar:

ClinVar aggregate classification (germline): Uncertain significance (1 of 4 stars; one submission).

Conditions:
RPGRIP1L-related disorder. Also called: RPGRIP1L-related condition; RPGRIP1L-related disorders. Identifiers: MedGen CN239416.

gnomAD v4.1: 1 of 702,914 alleles (0.00014%); highest among the groups gnomAD compares: Non-Finnish European, 0.00026%; no homozygotes.

Submission:

PreventionGenetics, part of Exact Sciences
Classification: Uncertain significance for RPGRIP1L-related condition. Last evaluated: 2026-02-10. Review status: criteria provided, single submitter. Criteria: ACMG Guidelines, 2015. Collection method: clinical testing. Allele origin: germline.
Comment: The RPGRIP1L c.232T>C variant is predicted to result in the amino acid substitution p.Phe78Leu. To our knowledge, this variant has not been reported in the literature or in a large population database (gnomAD), indicating this variant is rare. At this time, the clinical significance of this variant is uncertain due to the absence of conclusive functional and genetic evidence.

NM_015272.5(RPGRIP1L):c.230+694T>C

Gene: RPGRIP1L (RPGRIP1 like; minus strand). Cytogenetic location: 16q12.2.
Variant type: single nucleotide variant.
Coding change: c.230+694T>C on transcript NM_015272.5 (MANE Select); 694 bases into the intron after coding-DNA position 230, T replaced by C.
Molecular consequence: intron variant. On other transcripts: missense variant (1).
Genome position (GRCh38, 1-based): chr16:53,695,457, A>G on the plus strand (T>C on the coding strand, the complement: RPGRIP1L is on the minus strand). VCF-style: chr16-53695457-A-G. GRCh37 (hg19) VCF-style: chr16-53729369-A-G.
Other names: c.232T>C, p.Phe78Leu (NM_001328422.2); c.230+694T>C (NM_001127897.4, NM_001330538.2, NM_001308334.3); short protein forms F78L.
Identifiers: ClinVar variation 4982707 (VCV004982707.1).